The following is an entry in ClinVar:

ClinVar aggregate classification (germline): Uncertain significance (1 of 4 stars; one submission).

gnomAD v4.1: 2 of 1,609,954 alleles (0.00012%); highest among the groups gnomAD compares: African/African-American, 0.0027%; no homozygotes.

Submission:

Labcorp Genetics (formerly Invitae), Labcorp
Classification: Uncertain significance. Last evaluated: 2026-01-09. Review status: criteria provided, single submitter. Criteria: Invitae Variant Classification Sherloc (09022015). Collection method: clinical testing. Allele origin: germline.
Comment: This sequence change replaces phenylalanine, which is neutral and non-polar, with cysteine, which is neutral and slightly polar, at codon 827 of the POLRMT protein (p.Phe827Cys). This variant is not present in population databases (gnomAD no frequency). This variant has not been reported in the literature in individuals affected with POLRMT-related conditions. An algorithm developed to predict the effect of missense changes on protein structure and function (PolyPhen-2) suggests that this variant is likely to be disruptive. In summary, the available evidence is currently insufficient to determine the role of this variant in disease. Therefore, it has been classified as a Variant of Uncertain Significance.

NM_005035.4(POLRMT):c.2480T>G (p.Phe827Cys)

Gene: POLRMT (RNA polymerase mitochondrial; minus strand). Cytogenetic location: 19p13.3.
Variant type: single nucleotide variant.
Coding change: c.2480T>G on transcript NM_005035.4 (MANE Select); coding-DNA position 2480, T replaced by G.
Protein change: p.Phe827Cys; replaces phenylalanine 827 with cysteine.
Molecular consequence: missense variant. On other transcripts: non-coding transcript variant (1).
Genome position (GRCh38, 1-based): chr19:621,218, A>C on the plus strand (T>G on the coding strand, the complement: POLRMT is on the minus strand). VCF-style: chr19-621218-A-C. GRCh37 (hg19) VCF-style: chr19-621218-A-C.
Other names: c.2480T>G, p.Phe827Cys (NM_001407805.1, NM_001407808.1, NM_001407812.1 and 4 more transcripts); c.2471T>G, p.Phe824Cys (NM_001407806.1, NM_001407809.1); c.2468T>G, p.Phe823Cys (NM_001407807.1, NM_001407810.1); c.2438T>G, p.Phe813Cys (NM_001407811.1, NM_001407813.1); c.2255T>G, p.Phe752Cys (NM_001407830.1, NM_001407832.1); c.2156T>G, p.Phe719Cys (NM_001407831.1, NM_001407833.1, NM_001407835.1 and 1 more transcripts); c.2147T>G, p.Phe716Cys (NM_001407834.1); short protein forms F752C, F824C, F716C, F719C, F827C, F813C, F823C.
Identifiers: ClinVar variation 4733818 (VCV004733818.1).